The following is an entry in ClinVar:

NM_015909.4(NBAS):c.1367G>C (p.Arg456Pro)

Gene: NBAS (NBAS subunit of NRZ tethering complex; minus strand). Cytogenetic location: 2p24.3.
Variant type: single nucleotide variant.
Coding change: c.1367G>C on transcript NM_015909.4 (MANE Select); coding-DNA position 1367, G replaced by C.
Protein change: p.Arg456Pro; replaces arginine 456 with proline.
Molecular consequence: missense variant. On other transcripts: non-coding transcript variant (1).
Genome position (GRCh38, 1-based): chr2:15,474,299, C>G on the plus strand (G>C on the coding strand, the complement: NBAS is on the minus strand). VCF-style: chr2-15474299-C-G. GRCh37 (hg19) VCF-style: chr2-15614423-C-G.
Other names: c.1367G>C (NM_015909.3, NM_015909.2); short protein forms R456P.
Identifiers: ClinVar variation 1383198 (VCV001383198.10), dbSNP rs200802376, ClinGen allele CA1536694.

ClinVar aggregate classification (germline): Conflicting classifications of pathogenicity. Review status: criteria provided, conflicting classifications (1 of 4 stars). 5 submissions from 5 submitters: Uncertain significance (4); Likely benign (1). Last evaluated 2026-08-12.

Conditions:
NBAS-related disorder. Also called: NBAS-related condition.
Inborn genetic diseases. Identifiers: MedGen C0950123, MeSH D030342.

Allele frequency attached by ClinVar (database versions not stated): ExAC 0.00001; gnomAD exomes 0.00001; gnomAD 0.00006 and 0.00009; ESP Exome Variant Server 0.00008; TOPMed 0.00009; 1000 Genomes Project 30x 0.00016; 1000 Genomes Project 0.00020.
gnomAD v4.1: 32 of 1,613,392 alleles (0.002%); highest among the groups gnomAD compares: African/African-American, 0.04%; no homozygotes.

Submissions (5):

PreventionGenetics, part of Exact Sciences
Classification: Uncertain significance for NBAS-related condition. Last evaluated: 2026-08-12. Review status: criteria provided, single submitter. Criteria: ACMG Guidelines, 2015. Collection method: clinical testing. Allele origin: germline.
Comment: The NBAS c.1367G>C variant is predicted to result in the amino acid substitution p.Arg456Pro. To our knowledge, this variant has not been reported in the literature. This variant is reported in 0.024% of alleles in individuals of African descent in gnomAD. At this time, the clinical significance of this variant is uncertain due to the absence of conclusive functional and genetic evidence.

Labcorp Genetics (formerly Invitae), Labcorp
Classification: Likely benign. Last evaluated: 2025-12-20. Review status: criteria provided, single submitter. Criteria: Invitae Variant Classification Sherloc (09022015). Collection method: clinical testing. Allele origin: germline.

Ambry Genetics
Classification: Uncertain significance for Inborn genetic diseases. Last evaluated: 2025-08-08. Review status: criteria provided, single submitter. Criteria: Ambry Variant Classification Scheme 2023. Collection method: clinical testing. Allele origin: germline.

GeneDx
Classification: Uncertain significance. Last evaluated: 2024-12-30. Review status: criteria provided, single submitter. Criteria: GeneDx Variant Classification Process June 2021. Collection method: clinical testing. Allele origin: germline. Affected: yes.
Comment: In silico analysis supports that this missense variant has a deleterious effect on protein structure/function; Has not been previously published as pathogenic or benign to our knowledge

Breakthrough Genomics
Classification: Uncertain significance. Review status: criteria provided, single submitter. Criteria: ACMG Guidelines, 2015. Collection method: not provided. Allele origin: germline. Inheritance: Autosomal recessive inheritance. Affected: yes.